The following is an entry in ClinVar:

ClinVar aggregate classification (germline): Uncertain significance (1 of 4 stars; one submission).

Conditions:
Dyskeratosis congenita, autosomal recessive 6 (DKCB6). Identifiers: MedGen C4225356, MONDO:0014600, OMIM 616353.
Pulmonary fibrosis and/or bone marrow failure, Telomere-related, 4. Also called: PULMONARY FIBROSIS AND/OR BONE MARROW FAILURE SYNDROME, TELOMERE-RELATED, 4. Identifiers: Orphanet 2032, MedGen C4225347, MONDO:0014612, OMIM 616371.

gnomAD v4.1: 3 of 1,577,338 alleles (0.00019%); highest among the groups gnomAD compares: African/African-American, 0.0041%; no homozygotes.

Submission:

Labcorp Genetics (formerly Invitae), Labcorp
Classification: Uncertain significance for Dyskeratosis congenita, autosomal recessive 6; Pulmonary fibrosis and/or bone marrow failure, Telomere-related, 4. Last evaluated: 2025-06-04. Review status: criteria provided, single submitter. Criteria: Invitae Variant Classification Sherloc (09022015). Collection method: clinical testing. Allele origin: germline.
Comment: This sequence change replaces glutamic acid, which is acidic and polar, with valine, which is neutral and non-polar, at codon 263 of the PARN protein (p.Glu263Val). This variant is present in population databases (rs776782216, gnomAD 0.008%). This variant has not been reported in the literature in individuals affected with PARN-related conditions. Invitae Evidence Modeling of protein sequence and biophysical properties (such as structural, functional, and spatial information, amino acid conservation, physicochemical variation, residue mobility, and thermodynamic stability) indicates that this missense variant is not expected to disrupt PARN protein function with a negative predictive value of 80%. In summary, the available evidence is currently insufficient to determine the role of this variant in disease. Therefore, it has been classified as a Variant of Uncertain Significance.

NM_002582.4(PARN):c.788A>T (p.Glu263Val)

Gene: PARN (poly(A)-specific ribonuclease; minus strand). Cytogenetic location: 16p13.12.
Variant type: single nucleotide variant.
Coding change: c.788A>T on transcript NM_002582.4 (MANE Select); coding-DNA position 788, A replaced by T.
Protein change: p.Glu263Val; replaces glutamic acid 263 with valine.
Molecular consequence: missense variant.
Genome position (GRCh38, 1-based): chr16:14,599,956, T>A on the plus strand (A>T on the coding strand, the complement: PARN is on the minus strand). VCF-style: chr16-14599956-T-A. GRCh37 (hg19) VCF-style: chr16-14693813-T-A.
Other names: c.605A>T, p.Glu202Val (NM_001134477.3); c.650A>T, p.Glu217Val (NM_001242992.2); short protein forms E202V, E217V, E263V.
Identifiers: ClinVar variation 4788117 (VCV004788117.1).